The following is an entry in ClinVar:

ClinVar aggregate classification (germline): Uncertain significance (1 of 4 stars; one submission).

gnomAD v4.1: 42 of 1,613,886 alleles (0.0026%); highest among the groups gnomAD compares: African/African-American, 0.0053%; no homozygotes.

Submission:

Labcorp Genetics (formerly Invitae), Labcorp
Classification: Uncertain significance. Last evaluated: 2022-06-15. Review status: criteria provided, single submitter. Criteria: Invitae Variant Classification Sherloc (09022015). Collection method: clinical testing. Allele origin: germline.
Comment: This sequence change replaces glycine, which is neutral and non-polar, with alanine, which is neutral and non-polar, at codon 734 of the MTHFD1 protein (p.Gly734Ala). This variant is present in population databases (rs746915966, gnomAD 0.008%). This variant has not been reported in the literature in individuals affected with MTHFD1-related conditions. Algorithms developed to predict the effect of missense changes on protein structure and function are either unavailable or do not agree on the potential impact of this missense change (SIFT: "Deleterious"; PolyPhen-2: "Probably Damaging"; Align-GVGD: "Class C0"). In summary, the available evidence is currently insufficient to determine the role of this variant in disease. Therefore, it has been classified as a Variant of Uncertain Significance.

NM_005956.4(MTHFD1):c.2201G>C (p.Gly734Ala)

Gene: MTHFD1 (methylenetetrahydrofolate dehydrogenase, cyclohydrolase and formyltetrahydrofolate synthetase 1; plus strand). Cytogenetic location: 14q23.3.
Variant type: single nucleotide variant.
Coding change: c.2201G>C on transcript NM_005956.4 (MANE Select); coding-DNA position 2201, G replaced by C.
Protein change: p.Gly734Ala; replaces glycine 734 with alanine.
Molecular consequence: missense variant.
Genome position (GRCh38, 1-based): chr14:64,448,239, G>C. VCF-style: chr14-64448239-G-C. GRCh37 (hg19) VCF-style: chr14-64914957-G-C.
Other names: c.2201G>C, p.Gly734Ala (NM_001364837.1); short protein forms G734A.
Identifiers: ClinVar variation 1463051 (VCV001463051.5), dbSNP rs746915966, ClinGen allele CA7226536.